The following is an entry in ClinVar:

ClinVar aggregate classification (germline): Uncertain significance (1 of 4 stars; one submission).

Conditions:
Hypertrophic cardiomyopathy 1 (CMH1). Also called: MYH7-Related Familial Hypertrophic Cardiomyopathy; Familial hypertrophic cardiomyopathy 1. Identifiers: MedGen C3495498, MONDO:0008647, OMIM 192600.

Allele frequency attached by ClinVar (database versions not stated): gnomAD exomes 0.00001; ExAC 0.00002.
gnomAD v4.1: 14 of 1,609,266 alleles (0.00087%); highest among the groups gnomAD compares: South Asian, 0.0033%; no homozygotes.

Submission:

Labcorp Genetics (formerly Invitae), Labcorp
Classification: Uncertain significance for Hypertrophic cardiomyopathy 1. Last evaluated: 2022-01-26. Review status: criteria provided, single submitter. Criteria: Invitae Variant Classification Sherloc (09022015). Collection method: clinical testing. Allele origin: germline.
Comment: This sequence change replaces alanine, which is neutral and non-polar, with threonine, which is neutral and polar, at codon 531 of the MYLK2 protein (p.Ala531Thr). The frequency data for this variant in the population databases is considered unreliable, as metrics indicate poor data quality at this position in the gnomAD database. This missense change has been observed in individual(s) with hypertrophic cardiomyopathy (PMID: 29915097). Algorithms developed to predict the effect of missense changes on protein structure and function are either unavailable or do not agree on the potential impact of this missense change (SIFT: "Deleterious"; PolyPhen-2: "Probably Damaging"; Align-GVGD: "Class C0"). In summary, the available evidence is currently insufficient to determine the role of this variant in disease. Therefore, it has been classified as a Variant of Uncertain Significance.

Literature cited by the submitters: PubMed 29915097.

NM_033118.4(MYLK2):c.1591G>A (p.Ala531Thr)

Gene: MYLK2 (myosin light chain kinase 2; plus strand). Cytogenetic location: 20q11.21.
Variant type: single nucleotide variant.
Coding change: c.1591G>A on transcript NM_033118.4 (MANE Select); coding-DNA position 1591, G replaced by A.
Protein change: p.Ala531Thr; replaces alanine 531 with threonine.
Molecular consequence: missense variant.
Genome position (GRCh38, 1-based): chr20:31,832,017, G>A. VCF-style: chr20-31832017-G-A. GRCh37 (hg19) VCF-style: chr20-30419820-G-A.
Other names: short protein forms A531T.
Identifiers: ClinVar variation 2195602 (VCV002195602.4), dbSNP rs746480315, ClinGen allele CA9803275.